The following is an entry in ClinVar:

ClinVar aggregate classification (germline): Likely benign. Review status: criteria provided, single submitter (1 of 4 stars). 2 submissions from 2 submitters: Likely benign (1). 1 of the submissions does not count toward it. Last evaluated 2022-04-22.

Conditions:
GNAS-related disorder. Identifiers: MedGen CN380105.

Allele frequency attached by ClinVar (database versions not stated): gnomAD exomes below 0.00001; ExAC 0.00001.
gnomAD v4.1: 5 of 1,274,276 alleles (0.00039%); highest among the groups gnomAD compares: Admixed American, 0.0022%; no homozygotes.

Submissions (2):

Labcorp Genetics (formerly Invitae), Labcorp
Classification: Likely benign. Last evaluated: 2022-04-22. Review status: criteria provided, single submitter. Criteria: Invitae Variant Classification Sherloc (09022015). Collection method: clinical testing. Allele origin: germline.

PreventionGenetics, part of Exact Sciences
Classification: Likely benign for GNAS-related condition. Last evaluated: 2021-06-28. Review status: no assertion criteria provided. Collection method: clinical testing. Allele origin: germline. Not counted in ClinVar's aggregate classification.
Comment: This variant is classified as likely benign based on ACMG/AMP sequence variant interpretation guidelines (Richards et al. 2015 PMID: 25741868, with internal and published modifications).

NM_000516.7(GNAS):c.45G>A (p.Glu15=)

Gene: GNAS (GNAS complex locus; plus strand). Cytogenetic location: 20q13.32.
Variant type: single nucleotide variant.
Coding change: c.45G>A on transcript NM_000516.7 (MANE Select); coding-DNA position 45, G replaced by A.
Protein change: p.Glu15=; no amino-acid change (glutamic acid 15 retained).
Molecular consequence: synonymous variant. On other transcripts: intron variant (8).
Genome position (GRCh38, 1-based): chr20:58,891,771, G>A. VCF-style: chr20-58891771-G-A. GRCh37 (hg19) VCF-style: chr20-57466826-G-A.
Other names: c.45G>A (NM_000516.5); c.45G>A, p.Glu15= (NM_001077488.5, NM_001077489.4, NM_001309842.2 and 1 more transcripts); c.*43-3841G>A (NM_016592.5); c.44-3841G>A (NM_001410912.1); c.-38-3841G>A (NM_001309861.2); c.*1-3841G>A (NM_001077490.3); c.2069-3841G>A (NM_080425.4, NM_001410913.1); c.*159-3841G>A (NM_001309883.1); and 1 more.
Identifiers: ClinVar variation 1964194 (VCV001964194.7), dbSNP rs761263470, ClinGen allele CA9926875.
Genomic context (GRCh38, chr20:58,891,771, plus strand): 5'-CGCCGCCGCCGCCGCCATGGGCTGCCTCGGGAACAGTAAGACCGAGGACCAGCGCAACGA[G>A]GAGAAGGCGCAGCGTGAGGCCAACAAAAAGATCGAGAAGCAGCTGCAGAAGGACAAGCAG-3'
Protein context (NP_000507.1, residues 5-25): GNSKTEDQRN[Glu15=]EKAQREANKK